The following is an entry in ClinVar:

NM_206937.2(LIG4):c.1247A>G (p.Asp416Gly)

Gene: LIG4 (DNA ligase 4; minus strand). Cytogenetic location: 13q33.3.
Variant type: single nucleotide variant.
Coding change: c.1247A>G on transcript NM_206937.2 (MANE Select); coding-DNA position 1247, A replaced by G.
Protein change: p.Asp416Gly; replaces aspartic acid 416 with glycine.
Molecular consequence: missense variant.
Genome position (GRCh38, 1-based): chr13:108,210,022, T>C on the plus strand (A>G on the coding strand, the complement: LIG4 is on the minus strand). VCF-style: chr13-108210022-T-C. GRCh37 (hg19) VCF-style: chr13-108862370-T-C.
Other names: c.1247A>G, p.Asp416Gly (NM_001098268.2, NM_001352598.2, NM_001352599.2 and 6 more transcripts); c.1046A>G, p.Asp349Gly (NM_001330595.2); c.1283A>G, p.Asp428Gly (NM_001352604.2); short protein forms D349G, D416G, D428G.
Identifiers: ClinVar variation 1056060 (VCV001056060.8), dbSNP rs200912533, ClinGen allele CA256181670.

ClinVar aggregate classification (germline): Uncertain significance. Review status: criteria provided, multiple submitters, no conflicts (2 of 4 stars). 3 submissions from 3 submitters: Uncertain significance (3). Last evaluated 2025-12-15.

Conditions:
Inborn genetic diseases. Identifiers: MedGen C0950123, MeSH D030342.
DNA ligase IV deficiency. Identifiers: Orphanet 99812, MedGen C1847827, MONDO:0011686, OMIM 606593.

Allele frequency attached by ClinVar (database versions not stated): gnomAD exomes below 0.00001.
gnomAD v4.1: 8 of 1,612,058 alleles (0.0005%); highest among the groups gnomAD compares: Admixed American, 0.012%; no homozygotes.

Submissions (3):

Ambry Genetics
Classification: Uncertain significance for Inborn genetic diseases. Last evaluated: 2025-12-15. Review status: criteria provided, single submitter. Criteria: Ambry Variant Classification Scheme 2023. Collection method: clinical testing. Allele origin: germline.

Labcorp Genetics (formerly Invitae), Labcorp
Classification: Uncertain significance for DNA ligase IV deficiency. Last evaluated: 2025-05-12. Review status: criteria provided, single submitter. Criteria: Invitae Variant Classification Sherloc (09022015). Collection method: clinical testing. Allele origin: germline.
Comment: This sequence change replaces aspartic acid, which is acidic and polar, with glycine, which is neutral and non-polar, at codon 416 of the LIG4 protein (p.Asp416Gly). This variant is present in population databases (rs200912533, gnomAD 0.003%). This variant has not been reported in the literature in individuals affected with LIG4-related conditions. ClinVar contains an entry for this variant (Variation ID: 1056060). Invitae Evidence Modeling of protein sequence and biophysical properties (such as structural, functional, and spatial information, amino acid conservation, physicochemical variation, residue mobility, and thermodynamic stability) has been performed for this missense variant. However, the output from this modeling did not meet the statistical confidence thresholds required to predict the impact of this variant on LIG4 protein function. In summary, the available evidence is currently insufficient to determine the role of this variant in disease. Therefore, it has been classified as a Variant of Uncertain Significance.

Breakthrough Genomics
Classification: Uncertain significance. Review status: criteria provided, single submitter. Criteria: ACMG Guidelines, 2015. Collection method: not provided. Allele origin: germline. Inheritance: Autosomal recessive inheritance. Affected: yes.